The following is an entry in ClinVar:

NM_015443.4(KANSL1):c.3254T>C (p.Ile1085Thr)

Gene: KANSL1 (KAT8 regulatory NSL complex subunit 1). Cytogenetic location: 17q21.31.
Variant type: single nucleotide variant.
Coding change: c.3254T>C on transcript NM_015443.4 (MANE Select); coding-DNA position 3254, T replaced by C.
Protein change: p.Ile1085Thr; replaces isoleucine 1085 with threonine.
Molecular consequence: missense variant.
Genome position (GRCh38, 1-based): chr17:46,031,540, A>G on the plus strand (T>C on the coding strand, the complement: KANSL1 is on the minus strand). VCF-style: chr17-46031540-A-G. GRCh37 (hg19) VCF-style: chr17-44108906-A-G.
Other names: p.Ile1085Thr; c.3251T>C, p.Ile1084Thr (NM_001193465.2); c.3254T>C, p.Ile1085Thr (NM_001193466.2, NM_001379198.1); short protein forms I1085T, I1084T.
Identifiers: ClinVar variation 323762 (VCV000323762.17), dbSNP rs34579536, ClinGen allele CA8618335.

ClinVar aggregate classification (germline): Benign. Review status: criteria provided, multiple submitters, no conflicts (2 of 4 stars). 6 submissions from 6 submitters: Benign (6). Last evaluated 2026-02-03.

Conditions:
Koolen-de Vries syndrome (KDVS). Identifiers: Orphanet 96169, MedGen C1864871, MONDO:0012496, OMIM 610443.

Allele frequency attached by ClinVar (database versions not stated): 1000 Genomes Project 30x 0.08542; 1000 Genomes Project 0.08626; gnomAD 0.14182 and 0.14468; gnomAD exomes 0.14439 and 0.19412; ExAC 0.14700; TOPMed 0.14811; ESP Exome Variant Server 0.16277.
gnomAD v4.1: 304,472 of 1,613,758 alleles (19%); highest among the groups gnomAD compares: Non-Finnish European, 22%; 32,754 homozygotes.

Submissions (6):

Labcorp Genetics (formerly Invitae), Labcorp
Classification: Benign for Koolen-de Vries syndrome. Last evaluated: 2026-02-03. Review status: criteria provided, single submitter. Criteria: Invitae Variant Classification Sherloc (09022015). Collection method: clinical testing. Allele origin: germline.

Blueprint Genetics
Classification: Benign. Last evaluated: 2024-11-28. Review status: criteria provided, single submitter. Criteria: ACMG Guidelines, 2015. Collection method: clinical testing. Allele origin: germline.

Mayo Clinic Laboratories, Mayo Clinic
Classification: Benign. Last evaluated: 2018-06-26. Review status: criteria provided, single submitter. Criteria: ACMG Guidelines, 2015. Collection method: clinical testing. Allele origin: germline. Observed: 152 variant alleles.

Athena Diagnostics
Classification: Benign. Last evaluated: 2017-04-20. Review status: criteria provided, single submitter. Criteria: Athena Diagnostics Criteria. Collection method: clinical testing. Allele origin: germline.

GeneDx
Classification: Benign. Last evaluated: 2015-03-03. Review status: criteria provided, single submitter. Criteria: GeneDx Variant Classification Process June 2021. Collection method: clinical testing. Allele origin: germline. Affected: yes.
Comment: This variant is associated with the following publications: (PMID: 23222517)

Breakthrough Genomics
Classification: Benign. Review status: criteria provided, single submitter. Criteria: ACMG Guidelines, 2015. Collection method: not provided. Allele origin: germline. Inheritance: Autosomal dominant inheritance. Affected: yes.